The following is an entry in ClinVar:

NM_000465.4(BARD1):c.1724G>A (p.Ser575Asn)

Gene: BARD1 (BRCA1 associated RING domain 1; minus strand). Cytogenetic location: 2q35.
Variant type: single nucleotide variant.
Coding change: c.1724G>A on transcript NM_000465.4 (MANE Select); coding-DNA position 1724, G replaced by A.
Protein change: p.Ser575Asn; replaces serine 575 with asparagine.
Molecular consequence: missense variant. On other transcripts: non-coding transcript variant (3), intron variant (1).
Genome position (GRCh38, 1-based): chr2:214,745,808, C>T on the plus strand (G>A on the coding strand, the complement: BARD1 is on the minus strand). VCF-style: chr2-214745808-C-T. GRCh37 (hg19) VCF-style: chr2-215610532-C-T.
Other names: c.1667G>A, p.Ser556Asn (NM_001282543.2); c.371G>A, p.Ser124Asn (NM_001282545.2); c.314G>A, p.Ser105Asn (NM_001282548.2); c.365-15300G>A (NM_001282549.2); short protein forms S575N, S105N, S124N, S556N.
Identifiers: ClinVar variation 231290 (VCV000231290.26), dbSNP rs774352844, ClinGen allele CA2090181.

ClinVar aggregate classification (germline): Conflicting classifications of pathogenicity. Review status: criteria provided, conflicting classifications (1 of 4 stars). 7 submissions from 7 submitters: Uncertain significance (6); Likely benign (1). Last evaluated 2025-10-28.

Conditions:
Hereditary cancer-predisposing syndrome. Also called: Neoplastic Syndromes, Hereditary; Tumor predisposition; Hereditary Cancer Syndrome; Hereditary neoplastic syndrome. Identifiers: Orphanet 140162, MedGen C0027672, MeSH D009386, MONDO:0015356.
Familial cancer of breast. Also called: BREAST CANCER, FAMILIAL; hereditary breast carcinoma; Hereditary breast cancer. Identifiers: Orphanet 227535, MedGen C0346153, MONDO:0016419, OMIM 114480. Disease mechanism: loss of function.

Allele frequency attached by ClinVar (database versions not stated): gnomAD exomes below 0.00001; ExAC 0.00001; TOPMed 0.00001; gnomAD 0.00003.
gnomAD v4.1: 4 of 1,613,910 alleles (0.00025%); highest among the groups gnomAD compares: African/African-American, 0.0053%; no homozygotes.

Submissions (7):

Labcorp Genetics (formerly Invitae), Labcorp
Classification: Uncertain significance for Familial cancer of breast. Last evaluated: 2025-10-28. Review status: criteria provided, single submitter. Criteria: Invitae Variant Classification Sherloc (09022015). Collection method: clinical testing. Allele origin: germline.
Comment: This sequence change replaces serine, which is neutral and polar, with asparagine, which is neutral and polar, at codon 575 of the BARD1 protein (p.Ser575Asn). This variant is present in population databases (rs774352844, gnomAD 0.01%). This variant has not been reported in the literature in individuals affected with BARD1-related conditions. ClinVar contains an entry for this variant (Variation ID: 231290). An algorithm developed to predict the effect of missense changes on protein structure and function (PolyPhen-2) suggests that this variant is likely to be disruptive. Experimental studies have shown that this missense change does not substantially affect BARD1 function (PMID: 30925164). In summary, the available evidence is currently insufficient to determine the role of this variant in disease. Therefore, it has been classified as a Variant of Uncertain Significance.

Baylor Genetics
Classification: Uncertain significance for Familial cancer of breast. Last evaluated: 2024-03-11. Review status: criteria provided, single submitter. Criteria: ACMG Guidelines, 2015. Collection method: clinical testing. Allele origin: unknown.

GeneDx
Classification: Uncertain significance. Last evaluated: 2023-05-30. Review status: criteria provided, single submitter. Criteria: GeneDx Variant Classification Process June 2021. Collection method: clinical testing. Allele origin: germline. Affected: yes.
Comment: Not observed at significant frequency in large population cohorts (gnomAD); In silico analysis supports that this missense variant does not alter protein structure/function; Published functional studies demonstrate homology-directed repair similar to wildtype (Adamovich et al., 2019); This variant is associated with the following publications: (PMID: 30925164, 17550235)

Ambry Genetics
Classification: Likely benign for Hereditary cancer-predisposing syndrome. Last evaluated: 2021-03-17. Review status: criteria provided, single submitter. Criteria: Ambry Variant Classification Scheme 2023. Collection method: clinical testing. Allele origin: germline.

Quest Diagnostics Nichols Institute San Juan Capistrano
Classification: Uncertain significance. Last evaluated: 2021-03-16. Review status: criteria provided, single submitter. Criteria: Quest Diagnostics criteria. Collection method: clinical testing. Allele origin: unknown.

Color Diagnostics, LLC DBA Color Health
Classification: Uncertain significance for Hereditary cancer-predisposing syndrome. Last evaluated: 2019-03-25. Review status: criteria provided, single submitter. Criteria: ACMG Guidelines, 2015. Collection method: clinical testing. Allele origin: germline.

Women's Health and Genetics/Laboratory Corporation of America, LabCorp
Classification: Uncertain significance. Last evaluated: 2018-02-23. Review status: criteria provided, single submitter. Criteria: LabCorp Variant Classification Summary - May 2015. Collection method: clinical testing. Allele origin: germline.
Comment: Variant summary: BARD1 c.1724G>A (p.Ser575Asn) alters a conserved nucleotide resulting in a conservative amino acid change located in the BRCT domain (IPR001357) of the encoded protein sequence. Four of five in-silico tools predict a damaging effect of the variant on protein function. The variant allele was found at a frequency of 1.1e-05 in 277056 control chromosomes. This frequency is not higher than expected for a pathogenic variant in BARD1 causing Hereditary Breast and Ovarian Cancer (1.1e-05 vs 0.00025), allowing no conclusion about variant significance. To our knowledge, no occurrence of c.1724G>A in individuals affected with Hereditary Breast and Ovarian Cancer and no experimental evidence demonstrating its impact on protein function have been reported. Two clinical diagnostic laboratories have submitted clinical-significance assessments for this variant to ClinVar after 2014 without evidence for independent evaluation, and both classified the variant as uncertain significance. Based on the evidence outlined above, the variant was classified as uncertain significance.

Literature cited by the submitters: PubMed 30925164 (cited by 3 submitters); PubMed 17848578 (cited by Women's Health and Genetics/Laboratory Corporation of America, LabCorp).